The following is an entry in ClinVar:

NM_004586.3(RPS6KA3):c.203T>A (p.Phe68Tyr)

Gene: RPS6KA3 (ribosomal protein S6 kinase A3; minus strand). Cytogenetic location: Xp22.12.
Variant type: single nucleotide variant.
Coding change: c.203T>A on transcript NM_004586.3 (MANE Select); coding-DNA position 203, T replaced by A.
Protein change: p.Phe68Tyr; replaces phenylalanine 68 with tyrosine.
Molecular consequence: missense variant.
Genome position (GRCh38, 1-based): chrX:20,209,328, A>T on the plus strand (T>A on the coding strand, the complement: RPS6KA3 is on the minus strand). VCF-style: chrX-20209328-A-T. GRCh37 (hg19) VCF-style: chrX-20227446-A-T.
Other names: short protein forms F68Y.
Identifiers: ClinVar variation 3361095 (VCV003361095.1).
Genomic context (GRCh38, chrX:20,209,328, plus strand): 5'-AGCACACACTCATGACTTACCTTTCCAAATGATCCCTGCCCTAATACTTTTAAAAGTTCA[A>T]ACTGGGAAGGATCTGCCTTTTCATGTCCTTCCTTTACATGATGTGTGATTGCAATTTCTT-3'
Protein context (NP_004577.1, residues 58-78): EGHEKADPSQ[Phe68Tyr]ELLKVLGQGS

ClinVar aggregate classification (germline): Uncertain significance (1 of 4 stars; one submission).

Submission:

GeneDx
Classification: Uncertain significance. Last evaluated: 2023-07-14. Review status: criteria provided, single submitter. Criteria: GeneDx Variant Classification Process June 2021. Collection method: clinical testing. Allele origin: germline. Affected: yes.
Comment: Not observed at significant frequency in large population cohorts (gnomAD); In silico analysis supports that this missense variant has a deleterious effect on protein structure/function; Has not been previously published as pathogenic or benign to our knowledge